The following is an entry in ClinVar:

ClinVar aggregate classification (germline): Uncertain significance (1 of 4 stars; one submission).

Submission:

Ambry Genetics
Classification: Uncertain significance. Last evaluated: 2022-09-25. Review status: criteria provided, single submitter. Criteria: Ambry Variant Classification Scheme 2023. Collection method: clinical testing. Allele origin: germline.
Comment: The p.N1711K variant (also known as c.5133T>G), located in coding exon 16 of the POLQ gene, results from a T to G substitution at nucleotide position 5133. The asparagine at codon 1711 is replaced by lysine, an amino acid with similar properties. This amino acid position is conserved. In addition, this alteration is predicted to be tolerated by in silico analysis. Since supporting evidence is limited at this time, the clinical significance of this alteration remains unclear.

NM_199420.4(POLQ):c.5133T>G (p.Asn1711Lys)

Gene: POLQ (DNA polymerase theta; minus strand). Cytogenetic location: 3q13.33.
Variant type: single nucleotide variant.
Coding change: c.5133T>G on transcript NM_199420.4 (MANE Select); coding-DNA position 5133, T replaced by G.
Protein change: p.Asn1711Lys; replaces asparagine 1711 with lysine.
Molecular consequence: missense variant.
Genome position (GRCh38, 1-based): chr3:121,487,798, A>C on the plus strand (T>G on the coding strand, the complement: POLQ is on the minus strand). VCF-style: chr3-121487798-A-C. GRCh37 (hg19) VCF-style: chr3-121206645-A-C.
Other names: short protein forms N1711K.
Identifiers: ClinVar variation 1745565 (VCV001745565.2), dbSNP rs750606149, ClinGen allele CA354091810.